The following is an entry in ClinVar:

ClinVar aggregate classification (germline): Pathogenic/Likely pathogenic. Review status: criteria provided, multiple submitters, no conflicts (2 of 4 stars). 3 submissions from 3 submitters: Pathogenic (1); Likely pathogenic (2). Last evaluated 2026-01-14.

Conditions:
C7-related disorders.
C7-related disorder. Also called: C7-related condition.

Allele frequency attached by ClinVar (database versions not stated): gnomAD 0.00001; gnomAD exomes 0.00001; ExAC 0.00002; TOPMed 0.00007; ESP Exome Variant Server 0.00009.

Submissions (3):

Labcorp Genetics (formerly Invitae), Labcorp
Classification: Pathogenic. Last evaluated: 2026-01-14. Review status: criteria provided, single submitter. Criteria: Invitae Variant Classification Sherloc (09022015). Collection method: clinical testing. Allele origin: germline.
Comment: This sequence change creates a premature translational stop signal (p.Cys85Valfs*53) in the C7 gene. It is expected to result in an absent or disrupted protein product. Loss-of-function variants in C7 are known to be pathogenic (PMID: 9856499, 17407100). This variant is present in population databases (rs769923441, gnomAD 0.009%). This variant has not been reported in the literature in individuals affected with C7-related conditions. ClinVar contains an entry for this variant (Variation ID: 1992071). For these reasons, this variant has been classified as Pathogenic.

Blueprint Genetics
Classification: Likely pathogenic for C7-related disorders. Last evaluated: 2024-09-24. Review status: criteria provided, single submitter. Criteria: ACMG Guidelines, 2015. Collection method: clinical testing. Allele origin: germline. Affected: yes. Observed: 1 variant allele.

PreventionGenetics, part of Exact Sciences
Classification: Likely pathogenic for C7-related condition. Last evaluated: 2023-06-13. Review status: criteria provided, single submitter. Criteria: ACMG Guidelines, 2015. Collection method: clinical testing. Allele origin: germline.
Comment: The C7 c.253delT variant is predicted to result in a frameshift and premature protein termination (p.Cys85Valfs*53). To our knowledge, this variant has not been reported in the literature. This variant is reported in 0.0085% of alleles in individuals of Latino descent in gnomAD. Frameshift variants in C7 are expected to be pathogenic. This variant is interpreted as likely pathogenic.

Literature cited by the submitters: PubMed 9856499 (cited by Labcorp Genetics (formerly Invitae), Labcorp); PubMed 17407100 (cited by Labcorp Genetics (formerly Invitae), Labcorp).

NM_000587.4(C7):c.253del (p.Cys85fs)

Gene: C7 (complement C7; plus strand). Cytogenetic location: 5p13.1.
Variant type: Deletion.
Coding change: c.253del on transcript NM_000587.4 (MANE Select); coding-DNA position 253, one base deleted (T; older notation c.253delT).
Protein change: p.Cys85fs; shifts the reading frame from cysteine 85.
Molecular consequence: frameshift variant.
Genome position (GRCh38, 1-based): chr5:40,934,439, T deleted. VCF-style (leftmost placement, unchanged base first): chr5-40934438-AT-A. GRCh37 (hg19) VCF-style: chr5-40934540-AT-A.
Other names: c.253delT (NM_000587.3); short protein forms C85fs.
Identifiers: ClinVar variation 1992071 (VCV001992071.6), dbSNP rs769923441, ClinGen allele CA3249568.